The following is an entry in ClinVar:

ClinVar aggregate classification (germline): Uncertain significance. Review status: criteria provided, multiple submitters, no conflicts (2 of 4 stars). 2 submissions from 2 submitters: Uncertain significance (2). Last evaluated 2025-05-16.

Conditions:
Ataxia-telangiectasia-like disorder (ATLD). Identifiers: MedGen C1858391, MONDO:0011457.
Hereditary cancer-predisposing syndrome. Also called: Tumor predisposition; Hereditary neoplastic syndrome; Neoplastic Syndromes, Hereditary; Hereditary Cancer Syndrome. Identifiers: Orphanet 140162, MedGen C0027672, MeSH D009386, MONDO:0015356.

Allele frequency attached by ClinVar (database versions not stated): ExAC 0.00001; gnomAD exomes 0.00001; TOPMed 0.00001.
gnomAD v4.1: 8 of 1,614,044 alleles (0.0005%); highest among the groups gnomAD compares: South Asian, 0.0011%; no homozygotes.

Submissions (2):

Ambry Genetics
Classification: Uncertain significance for Hereditary cancer-predisposing syndrome. Last evaluated: 2025-05-16. Review status: criteria provided, single submitter. Criteria: Ambry Variant Classification Scheme 2023. Collection method: clinical testing. Allele origin: germline.
Comment: The p.I470T variant (also known as c.1409T>C), located in coding exon 12 of the MRE11A gene, results from a T to C substitution at nucleotide position 1409. The isoleucine at codon 470 is replaced by threonine, an amino acid with similar properties. This amino acid position is highly conserved in available vertebrate species. In addition, this alteration is predicted to be deleterious by in silico analysis. Since supporting evidence is limited at this time, the clinical significance of this alteration remains unclear.

Labcorp Genetics (formerly Invitae), Labcorp
Classification: Uncertain significance for Ataxia-telangiectasia-like disorder. Last evaluated: 2021-12-18. Review status: criteria provided, single submitter. Criteria: Invitae Variant Classification Sherloc (09022015). Collection method: clinical testing. Allele origin: germline.
Comment: This sequence change replaces isoleucine, which is neutral and non-polar, with threonine, which is neutral and polar, at codon 470 of the MRE11 protein (p.Ile470Thr). This variant is present in population databases (rs746648446, gnomAD 0.003%). This variant has not been reported in the literature in individuals affected with MRE11-related conditions. ClinVar contains an entry for this variant (Variation ID: 819142). Algorithms developed to predict the effect of missense changes on protein structure and function are either unavailable or do not agree on the potential impact of this missense change (SIFT: "Deleterious"; PolyPhen-2: "Benign"; Align-GVGD: "Class C0"). In summary, the available evidence is currently insufficient to determine the role of this variant in disease. Therefore, it has been classified as a Variant of Uncertain Significance.

NM_005591.4(MRE11):c.1409T>C (p.Ile470Thr)

Gene: MRE11 (MRE11 double strand break repair nuclease; minus strand). Cytogenetic location: 11q21.
Variant type: single nucleotide variant.
Coding change: c.1409T>C on transcript NM_005591.4 (MANE Select); coding-DNA position 1409, T replaced by C.
Protein change: p.Ile470Thr; replaces isoleucine 470 with threonine.
Molecular consequence: missense variant.
Genome position (GRCh38, 1-based): chr11:94,459,499, A>G on the plus strand (T>C on the coding strand, the complement: MRE11 is on the minus strand). VCF-style: chr11-94459499-A-G. GRCh37 (hg19) VCF-style: chr11-94192665-A-G.
Other names: c.1409T>C, p.Ile470Thr (NM_001330347.2, NM_005590.4); short protein forms I470T.
Identifiers: ClinVar variation 819142 (VCV000819142.9), dbSNP rs746648446, ClinGen allele CA6235083.
Genomic context (GRCh38, chr11:94,459,499, plus strand): 5'-ATATGACGTTCTTTAAGAAATCGCTGTGTTTTTTCCAACTGGTATTTCACTAATTCCTCA[A>G]TGGCATCTTTCTCCTCCTTGTCCACAAATTCTTGTACTGCTTCACCCATCCCTCTTTCTG-3'
Protein context (NP_005582.1, residues 460-480): EFVDKEEKDA[Ile470Thr]EELVKYQLEK